The following is an entry in ClinVar:

ClinVar aggregate classification (germline): Uncertain significance. Review status: criteria provided, multiple submitters, no conflicts (2 of 4 stars). 2 submissions from 2 submitters: Uncertain significance (2). Last evaluated 2026-04-14.

Conditions:
H1-4-related disorder. Also called: H1-4-related condition.

Submissions (2):

GeneDx
Classification: Uncertain significance. Last evaluated: 2026-04-14. Review status: criteria provided, single submitter. Criteria: GeneDx Variant Classification Process June 2021. Collection method: clinical testing. Allele origin: germline.
Comment: Not observed at significant frequency in large population cohorts (gnomAD); In silico analysis suggests that this missense variant does not alter protein structure/function; Has not been previously published as pathogenic or benign to our knowledge

PreventionGenetics, part of Exact Sciences
Classification: Uncertain significance for H1-4-related condition. Last evaluated: 2025-09-17. Review status: criteria provided, single submitter. Criteria: ACMG Guidelines, 2015. Collection method: clinical testing. Allele origin: germline.
Comment: The H1-4 c.440C>A variant is predicted to result in the amino acid substitution p.Pro147His. To our knowledge, this variant has not been reported in the literature or in a large population database (gnomAD), indicating this variant is rare. At this time, the clinical significance of this variant is uncertain due to the absence of conclusive functional and genetic evidence.

NM_005321.3(H1-4):c.440C>A (p.Pro147His)

Gene: H1-4 (H1.4 linker histone, cluster member; plus strand). Cytogenetic location: 6p22.2.
Variant type: single nucleotide variant.
Coding change: c.440C>A on transcript NM_005321.3 (MANE Select); coding-DNA position 440, C replaced by A.
Protein change: p.Pro147His; replaces proline 147 with histidine.
Molecular consequence: missense variant.
Genome position (GRCh38, 1-based): chr6:26,156,830, C>A. VCF-style: chr6-26156830-C-A. GRCh37 (hg19) VCF-style: chr6-26157058-C-A.
Other names: short protein forms P147H.
Identifiers: ClinVar variation 4981450 (VCV004981450.2).